The following is an entry in ClinVar:

ClinVar aggregate classification (germline): Uncertain significance (1 of 4 stars; one submission).

Allele frequency attached by ClinVar (database versions not stated): ExAC 0.00005.

Submission:

Labcorp Genetics (formerly Invitae), Labcorp
Classification: Uncertain significance. Last evaluated: 2022-08-16. Review status: criteria provided, single submitter. Criteria: Invitae Variant Classification Sherloc (09022015). Collection method: clinical testing. Allele origin: germline.
Comment: This missense change has been observed in individual(s) with autism (PMID: 27824329, 31981491). In summary, the available evidence is currently insufficient to determine the role of this variant in disease. Therefore, it has been classified as a Variant of Uncertain Significance. Algorithms developed to predict the effect of missense changes on protein structure and function are either unavailable or do not agree on the potential impact of this missense change (SIFT: "Deleterious"; PolyPhen-2: "Probably Damaging"; Align-GVGD: "Class C0"). This variant is present in population databases (rs765774274, gnomAD 0.02%). This sequence change replaces glycine, which is neutral and non-polar, with arginine, which is basic and polar, at codon 232 of the KMT2E protein (p.Gly232Arg).

Literature cited by the submitters: PubMed 27824329; PubMed 31981491.

NM_182931.3(KMT2E):c.694G>A (p.Gly232Arg)

Gene: KMT2E (lysine methyltransferase 2E (inactive); plus strand). Cytogenetic location: 7q22.3.
Variant type: single nucleotide variant.
Coding change: c.694G>A on transcript NM_182931.3 (MANE Select); coding-DNA position 694, G replaced by A.
Protein change: p.Gly232Arg; replaces glycine 232 with arginine.
Molecular consequence: missense variant.
Genome position (GRCh38, 1-based): chr7:105,074,780, G>A. VCF-style: chr7-105074780-G-A. GRCh37 (hg19) VCF-style: chr7-104715227-G-A.
Other names: c.694G>A, p.Gly232Arg (NM_001410908.1, NM_018682.4); short protein forms G232R.
Identifiers: ClinVar variation 2136580 (VCV002136580.4), dbSNP rs765774274, ClinGen allele CA4423773.